The following is an entry in ClinVar:

ClinVar aggregate classification (germline): Benign (1 of 4 stars; one submission).

Conditions:
Maturity-onset diabetes of the young type 7 (MODY7). Identifiers: Orphanet 552, MedGen C1864839, MONDO:0012513, OMIM 610508.

Allele frequency attached by ClinVar (database versions not stated): gnomAD 0.00045 and 0.00046; 1000 Genomes Project 0.00060; TOPMed 0.00070; 1000 Genomes Project 30x 0.00078.

Submission:

Illumina Laboratory Services, Illumina
Classification: Benign for Maturity-onset diabetes of the young type 7. Last evaluated: 2018-01-12. Review status: criteria provided, single submitter. Criteria: ICSL Variant Classification Criteria 13 December 2019. Collection method: clinical testing. Allele origin: germline.
Comment: This variant was observed in the ICSL laboratory as part of a predisposition screen in an ostensibly healthy population. It had not been previously curated by ICSL or reported in the Human Gene Mutation Database (HGMD: prior to June 1st, 2018), and was therefore a candidate for classification through an automated scoring system. Utilizing variant allele frequency, disease prevalence and penetrance estimates, and inheritance mode, an automated score was calculated to assess if this variant is too frequent to cause the disease. Based on the score and internal cut-off values, a variant classified as benign is not then subjected to further curation. The score for this variant resulted in a classification of benign for this disease.

NM_003597.5(KLF11):c.*612C>T

Gene: KLF11 (KLF transcription factor 11; plus strand). Cytogenetic location: 2p25.1.
Variant type: single nucleotide variant.
Coding change: c.*612C>T on transcript NM_003597.5 (MANE Select); 612 bases downstream of the stop codon, C replaced by T.
Molecular consequence: 3 prime UTR variant.
Genome position (GRCh38, 1-based): chr2:10,053,119, C>T. VCF-style: chr2-10053119-C-T. GRCh37 (hg19) VCF-style: chr2-10193246-C-T.
Other names: c.*612C>T (NM_001177716.2, NM_001177718.2).
Identifiers: ClinVar variation 330655 (VCV000330655.5), dbSNP rs187519040, ClinGen allele CA10610925.